The following is an entry in ClinVar:

ClinVar aggregate classification (germline): Uncertain significance (1 of 4 stars; one submission).

Conditions:
Autosomal dominant childhood-onset proximal spinal muscular atrophy with contractures (SMALED2A). Also called: SPINAL MUSCULAR ATROPHY, LOWER EXTREMITY-PREDOMINANT, 2A, CHILDHOOD ONSET, AUTOSOMAL DOMINANT; Spinal muscular atrophy, lower extremity-predominant, 2A, autosomal dominant. Identifiers: Orphanet 363447, Orphanet 363454, MedGen C4747715, MONDO:0014121, OMIM 615290.

Submission:

Labcorp Genetics (formerly Invitae), Labcorp
Classification: Uncertain significance for Autosomal dominant childhood-onset proximal spinal muscular atrophy with contractures. Last evaluated: 2022-09-01. Review status: criteria provided, single submitter. Criteria: Invitae Variant Classification Sherloc (09022015). Collection method: clinical testing. Allele origin: germline.
Comment: In summary, the available evidence is currently insufficient to determine the role of this variant in disease. Therefore, it has been classified as a Variant of Uncertain Significance. Algorithms developed to predict the effect of sequence changes on RNA splicing suggest that this variant may create or strengthen a splice site. Algorithms developed to predict the effect of missense changes on protein structure and function are either unavailable or do not agree on the potential impact of this missense change (SIFT: "Deleterious"; PolyPhen-2: "Benign"; Align-GVGD: "Class C0"). ClinVar contains an entry for this variant (Variation ID: 1012130). This variant has not been reported in the literature in individuals affected with BICD2-related conditions. This variant is not present in population databases (gnomAD no frequency). This sequence change replaces leucine, which is neutral and non-polar, with valine, which is neutral and non-polar, at codon 22 of the BICD2 protein (p.Leu22Val).

NM_001003800.2(BICD2):c.64C>G (p.Leu22Val)

Gene: BICD2 (BICD cargo adaptor 2; minus strand). Cytogenetic location: 9q22.31.
Variant type: single nucleotide variant.
Coding change: c.64C>G on transcript NM_001003800.2 (MANE Select); coding-DNA position 64, C replaced by G.
Protein change: p.Leu22Val; replaces leucine 22 with valine.
Molecular consequence: missense variant.
Genome position (GRCh38, 1-based): chr9:92,764,681, G>C on the plus strand (C>G on the coding strand, the complement: BICD2 is on the minus strand). VCF-style: chr9-92764681-G-C. GRCh37 (hg19) VCF-style: chr9-95526963-G-C.
Other names: c.64C>G, p.Leu22Val (NM_015250.4); short protein forms L22V.
Identifiers: ClinVar variation 1012130 (VCV001012130.9), dbSNP rs758212511, ClinGen allele CA374032948.